The following is an entry in ClinVar:

ClinVar aggregate classification (germline): Uncertain significance (1 of 4 stars; one submission).

Submission:

GeneDx
Classification: Uncertain significance. Last evaluated: 2025-02-05. Review status: criteria provided, single submitter. Criteria: GeneDx Variant Classification Process June 2021. Collection method: clinical testing. Allele origin: germline. Affected: yes.
Comment: Not observed at significant frequency in large population cohorts (gnomAD); Frameshift variant predicted to result in protein truncation or nonsense mediated decay in a gene or region of a gene for which loss of function is not a well-established mechanism of disease; Has not been previously published as pathogenic or benign to our knowledge

NM_017852.5(NLRP2):c.107dup (p.His37fs)

Gene: NLRP2 (NLR family pyrin domain containing 2; plus strand). Cytogenetic location: 19q13.42.
Variant type: Duplication.
Coding change: c.107dup on transcript NM_017852.5 (MANE Select); coding-DNA position 107, one base duplicated (C; older notation c.107dupC).
Protein change: p.His37fs; shifts the reading frame from histidine 37.
Molecular consequence: frameshift variant. On other transcripts: non-coding transcript variant (1).
Genome position (GRCh38, 1-based): chr19:54,970,122, C duplicated. VCF-style (leftmost placement, unchanged base first): chr19-54970121-G-GC. GRCh37 (hg19) VCF-style: chr19-55481489-G-GC.
Other names: c.107dup, p.His37fs (NM_001174081.3, NM_001174082.3, NM_001174083.2 and 1 more transcripts); short protein forms H37fs.
Identifiers: ClinVar variation 4074472 (VCV004074472.1).